The following is an entry in ClinVar:

ClinVar aggregate classification (germline): Benign/Likely benign. Review status: criteria provided, multiple submitters, no conflicts (2 of 4 stars). 3 submissions from 3 submitters: Benign (1); Likely benign (2). Last evaluated 2025-05-20.

Conditions:
Long QT syndrome (LQTS). Identifiers: MedGen C0023976, MeSH D008133, MONDO:0002442. Disease mechanism: loss of function. Inheritance: Various modes of inheritance.

Allele frequency attached by ClinVar (database versions not stated): ExAC 0.00001; gnomAD exomes 0.00001; TOPMed 0.00001; gnomAD 0.00002.
gnomAD v4.1: 11 of 1,594,382 alleles (0.00069%); highest among the groups gnomAD compares: Admixed American, 0.012%; no homozygotes.

Submissions (3):

Women's Health and Genetics/Laboratory Corporation of America, LabCorp
Classification: Benign. Last evaluated: 2025-05-20. Review status: criteria provided, single submitter. Criteria: LabCorp Variant Classification Summary - May 2015. Collection method: clinical testing. Allele origin: germline.
Comment: Variant summary: SNTA1 c.702-7C>G alters a nucleotide located at a position not widely known to affect splicing. Several computational tools predict a significant impact on normal splicing: Four predict the variant weakens a 3 acceptor site. However, these predictions have yet to be confirmed by functional studies. The variant allele was found at a frequency of 6.9e-06 in 1594382 control chromosomes. The observed variant frequency is approximately 2.07 fold of the estimated maximal expected allele frequency for a pathogenic variant in SNTA1 causing Long QT Syndrome phenotype (3.3e-06). To our knowledge, no occurrence of c.702-7C>G in individuals affected with Long QT Syndrome and no experimental evidence demonstrating its impact on protein function have been reported. ClinVar contains an entry for this variant (Variation ID: 507388). Based on the evidence outlined above, the variant was classified as benign.

Labcorp Genetics (formerly Invitae), Labcorp
Classification: Likely benign for Long QT syndrome. Last evaluated: 2023-10-13. Review status: criteria provided, single submitter. Criteria: Invitae Variant Classification Sherloc (09022015). Collection method: clinical testing. Allele origin: germline.

GeneDx
Classification: Likely benign. Last evaluated: 2017-02-14. Review status: criteria provided, single submitter. Criteria: GeneDx Variant Classification (06012015). Collection method: clinical testing. Allele origin: germline. Affected: yes.
Comment: This variant is considered likely benign or benign based on one or more of the following criteria: it is a conservative change, it occurs at a poorly conserved position in the protein, it is predicted to be benign by multiple in silico algorithms, and/or has population frequency not consistent with disease.

NM_003098.3(SNTA1):c.702-7C>G

Gene: SNTA1 (syntrophin alpha 1; minus strand). Cytogenetic location: 20q11.21.
Variant type: single nucleotide variant.
Coding change: c.702-7C>G on transcript NM_003098.3 (MANE Select); 7 bases into the intron before coding-DNA position 702, C replaced by G.
Molecular consequence: intron variant.
Genome position (GRCh38, 1-based): chr20:33,412,789, G>C on the plus strand (C>G on the coding strand, the complement: SNTA1 is on the minus strand). VCF-style: chr20-33412789-G-C. GRCh37 (hg19) VCF-style: chr20-32000595-G-C.
Identifiers: ClinVar variation 507388 (VCV000507388.12), dbSNP rs780688953, ClinGen allele CA9817160.